The following is an entry in ClinVar:

ClinVar aggregate classification (germline): Uncertain significance (1 of 4 stars; one submission).

Submission:

CeGaT Center for Human Genetics Tuebingen
Classification: Uncertain significance. Last evaluated: 2024-02-01. Review status: criteria provided, single submitter. Criteria: CeGaT Center For Human Genetics Tuebingen Variant Classification Criteria Version 2. Collection method: clinical testing. Allele origin: germline. Affected: yes. Observed: 1 variant allele.
Comment: MAP2K1: PM2

NM_002755.4(MAP2K1):c.568+14010_568+14032del

Gene: MAP2K1 (mitogen-activated protein kinase kinase 1; plus strand). Cytogenetic location: 15q22.31.
Variant type: Deletion.
Coding change: c.568+14010_568+14032del on transcript NM_002755.4 (MANE Select); bases 14010 to 14032 of the intron after coding-DNA position 568, 23 bases deleted (CTCTCTGTTGCCCAGGTTGGTCT).
Molecular consequence: intron variant.
Genome position (GRCh38, 1-based): chr15:66,458,717-66,458,739, CTCTCTGTTGCCCAGGTTGGTCT deleted; deleting any 23 consecutive bases within chr15:66,458,712-66,458,739 gives the same sequence; the c. name uses the placement nearest the transcript's 3' end. VCF-style (leftmost placement, unchanged base first): chr15-66458711-CGGTCTCTCTCTGTTGCCCAGGTT-C. GRCh37 (hg19) VCF-style: chr15-66751049-CGGTCTCTCTCTGTTGCCCAGGTT-C.
Other names: c.424+14010_424+14032del (NM_001411065.1).
Identifiers: ClinVar variation 3027419 (VCV003027419.22), dbSNP rs2545075780, ClinGen allele CA2740096725.